The following is an entry in ClinVar:

NM_001851.6(COL9A1):c.2597C>A (p.Ala866Asp)

Gene: COL9A1 (collagen type IX alpha 1 chain; minus strand). Cytogenetic location: 6q13.
Variant type: single nucleotide variant.
Coding change: c.2597C>A on transcript NM_001851.6 (MANE Select); coding-DNA position 2597, C replaced by A.
Protein change: p.Ala866Asp; replaces alanine 866 with aspartic acid.
Molecular consequence: missense variant. On other transcripts: non-coding transcript variant (1).
Genome position (GRCh38, 1-based): chr6:70,217,066, G>T on the plus strand (C>A on the coding strand, the complement: COL9A1 is on the minus strand). VCF-style: chr6-70217066-G-T. GRCh37 (hg19) VCF-style: chr6-70926769-G-T.
Other names: c.1898C>A, p.Ala633Asp (NM_001377289.1); c.1721C>A, p.Ala574Asp (NM_001377290.1); c.1868C>A, p.Ala623Asp (NM_078485.4); short protein forms A574D, A623D, A633D, A866D.
Identifiers: ClinVar variation 1953706 (VCV001953706.5), dbSNP rs2127544134, ClinGen allele CA364668164.

ClinVar aggregate classification (germline): Uncertain significance (1 of 4 stars; one submission).

gnomAD v4.1: 1 of 1,614,088 alleles (0.000062%); highest among the groups gnomAD compares: African/African-American, 0.0013%; no homozygotes.

Submission:

Labcorp Genetics (formerly Invitae), Labcorp
Classification: Uncertain significance. Last evaluated: 2022-07-19. Review status: criteria provided, single submitter. Criteria: Invitae Variant Classification Sherloc (09022015). Collection method: clinical testing. Allele origin: germline.
Comment: In summary, the available evidence is currently insufficient to determine the role of this variant in disease. Therefore, it has been classified as a Variant of Uncertain Significance. Advanced modeling of protein sequence and biophysical properties (such as structural, functional, and spatial information, amino acid conservation, physicochemical variation, residue mobility, and thermodynamic stability) performed at Invitae indicates that this missense variant is not expected to disrupt COL9A1 protein function. This variant has not been reported in the literature in individuals affected with COL9A1-related conditions. This variant is not present in population databases (gnomAD no frequency). This sequence change replaces alanine, which is neutral and non-polar, with aspartic acid, which is acidic and polar, at codon 866 of the COL9A1 protein (p.Ala866Asp).